The following is an entry in ClinVar:

NM_000548.5(TSC2):c.2220+182C>T

Gene: TSC2 (TSC complex subunit 2; plus strand). Cytogenetic location: 16p13.3.
Variant type: single nucleotide variant.
Coding change: c.2220+182C>T on transcript NM_000548.5 (MANE Select); 182 bases into the intron after coding-DNA position 2220, C replaced by T.
Molecular consequence: intron variant.
Genome position (GRCh38, 1-based): chr16:2,072,545, C>T. VCF-style: chr16-2072545-C-T. GRCh37 (hg19) VCF-style: chr16-2122546-C-T.
Other names: c.2220+182C>T (NM_001114382.3, NM_021055.3, NM_001370405.1 and 3 more transcripts); c.2109+182C>T (NM_001318827.2); c.1620+182C>T (NM_001318831.2); c.2073+182C>T (NM_001318829.2); c.2253+182C>T (NM_001318832.2).
Identifiers: ClinVar variation 677251 (VCV000677251.2), dbSNP rs12325450, ClinGen allele CA14341957.

ClinVar aggregate classification (germline): Benign. Review status: criteria provided, multiple submitters, no conflicts (2 of 4 stars). 2 submissions from 2 submitters: Benign (2). Last evaluated 2018-06-15.

Allele frequency attached by ClinVar (database versions not stated): gnomAD exomes 0.00583; gnomAD 0.03946 and 0.04249; TOPMed 0.04443; 1000 Genomes Project 0.04613; 1000 Genomes Project 30x 0.04856.
gnomAD v4.1: 11,340 of 1,000,470 alleles (1.1%); highest among the groups gnomAD compares: African/African-American, 13%; 560 homozygotes.

Submissions (2):

GeneDx
Classification: Benign. Last evaluated: 2018-06-15. Review status: criteria provided, single submitter. Criteria: GeneDx Variant Classification (06012015). Collection method: clinical testing. Allele origin: germline. Affected: yes.
Comment: This variant is considered likely benign or benign based on one or more of the following criteria: it is a conservative change, it occurs at a poorly conserved position in the protein, it is predicted to be benign by multiple in silico algorithms, and/or has population frequency not consistent with disease.

Breakthrough Genomics
Classification: Benign. Review status: criteria provided, single submitter. Criteria: ACMG Guidelines, 2015. Collection method: not provided. Allele origin: germline. Inheritance: Autosomal dominant inheritance. Affected: yes.